The following is an entry in ClinVar:

NM_000059.4(BRCA2):c.6180A>G (p.Thr2060=)

Gene: BRCA2 (BRCA2 DNA repair associated; plus strand). Cytogenetic location: 13q13.1.
Variant type: single nucleotide variant.
Coding change: c.6180A>G on transcript NM_000059.4 (MANE Select); coding-DNA position 6180, A replaced by G.
Protein change: p.Thr2060=; no amino-acid change (threonine 2060 retained).
Molecular consequence: synonymous variant.
Genome position (GRCh38, 1-based): chr13:32,340,535, A>G. VCF-style: chr13-32340535-A-G. GRCh37 (hg19) VCF-style: chr13-32914672-A-G.
Identifiers: ClinVar variation 630981 (VCV000630981.7), dbSNP rs1566234078, ClinGen allele CA483439316.

ClinVar aggregate classification (germline): Likely benign. Review status: criteria provided, multiple submitters, no conflicts (2 of 4 stars). 3 submissions from 3 submitters: Likely benign (3). Last evaluated 2023-08-28.

Conditions:
Hereditary cancer-predisposing syndrome. Also called: Hereditary Cancer Syndrome; Neoplastic Syndromes, Hereditary; Tumor predisposition; Hereditary neoplastic syndrome. Identifiers: Orphanet 140162, MedGen C0027672, MeSH D009386, MONDO:0015356.
Breast-ovarian cancer, familial, susceptibility to, 2 (BROVCA2). Also called: BRCA2 Hereditary Breast and Ovarian Cancer. Identifiers: Orphanet 145, MedGen C2675520, MONDO:0012933, OMIM 612555. Disease mechanism: loss of function.

Allele frequency attached by ClinVar (database versions not stated): TOPMed below 0.00001.

Submissions (3):

All of Us Research Program, National Institutes of Health
Classification: Likely benign for Breast-ovarian cancer, familial, susceptibility to, 2. Last evaluated: 2023-08-28. Review status: criteria provided, single submitter. Criteria: ACMG Guidelines, 2015. Collection method: clinical testing. Allele origin: germline. Inheritance: Autosomal dominant inheritance. Observed: 1 variant allele, 1 heterozygote.
Comment: This study involves interpretation of variants in research participants for the purpose of population health screening. Participant phenotype was not available at the time of variant classification. Additional details can be found in publication PMID: 35346344, PMCID: PMC8962531

Ambry Genetics
Classification: Likely benign for Hereditary cancer-predisposing syndrome. Last evaluated: 2019-08-23. Review status: criteria provided, single submitter. Criteria: Ambry Variant Classification Scheme 2023. Collection method: clinical testing. Allele origin: germline.

Color Diagnostics, LLC DBA Color Health
Classification: Likely benign for Hereditary cancer-predisposing syndrome. Last evaluated: 2017-12-06. Review status: criteria provided, single submitter. Criteria: ACMG Guidelines, 2015. Collection method: clinical testing. Allele origin: germline.